The following is an entry in ClinVar:

ClinVar aggregate classification (germline): Benign/Likely benign. Review status: criteria provided, multiple submitters, no conflicts (2 of 4 stars). 3 submissions from 3 submitters: Benign (1); Likely benign (2). Last evaluated 2025-01-28.

Conditions:
Hereditary nonpolyposis colorectal neoplasms. Identifiers: MedGen C0009405, MeSH D003123.
Hereditary cancer-predisposing syndrome. Also called: Hereditary Cancer Syndrome; Hereditary neoplastic syndrome; Tumor predisposition; Neoplastic Syndromes, Hereditary. Identifiers: Orphanet 140162, MedGen C0027672, MeSH D009386, MONDO:0015356.
Lynch syndrome 4 (LYNCH4). Also called: Colorectal cancer, hereditary nonpolyposis, type 4; Hereditary non-polyposis colorectal cancer, type 4. Identifiers: Orphanet 144, MedGen C1838333, MONDO:0013699, OMIM 614337. Disease mechanism: loss of function.

Allele frequency attached by ClinVar (database versions not stated): gnomAD exomes below 0.00001.
gnomAD v4.1: 1 of 1,604,888 alleles (0.000062%); highest among the groups gnomAD compares: Non-Finnish European, 0.000085%; no homozygotes.

Submissions (3):

Myriad Genetics, Inc.
Classification: Benign for Lynch syndrome 4. Last evaluated: 2025-01-28. Review status: criteria provided, single submitter. Criteria: Myriad Autosomal Dominant, Autosomal Recessive and X-Linked Classification Criteria (2023). Collection method: clinical testing. Allele origin: unknown.
Comment: This variant is considered benign. This variant is a silent/synonymous amino acid change and it is not expected to impact splicing.

Labcorp Genetics (formerly Invitae), Labcorp
Classification: Likely benign for Hereditary nonpolyposis colorectal neoplasms. Last evaluated: 2024-09-17. Review status: criteria provided, single submitter. Criteria: Invitae Variant Classification Sherloc (09022015). Collection method: clinical testing. Allele origin: germline.

Ambry Genetics
Classification: Likely benign for Hereditary cancer-predisposing syndrome. Last evaluated: 2022-04-04. Review status: criteria provided, single submitter. Criteria: Ambry Variant Classification Scheme 2023. Collection method: clinical testing. Allele origin: germline.

NM_000535.7(PMS2):c.769T>C (p.Leu257=)

Gene: PMS2 (PMS1 homolog 2, mismatch repair system component; minus strand). Cytogenetic location: 7p22.1.
Variant type: single nucleotide variant.
Coding change: c.769T>C on transcript NM_000535.7 (MANE Select); coding-DNA position 769, T replaced by C.
Protein change: p.Leu257=; no amino-acid change (leucine 257 retained).
Molecular consequence: synonymous variant. On other transcripts: 5 prime UTR variant (2), non-coding transcript variant (1).
Genome position (GRCh38, 1-based): chr7:5,997,360, A>G on the plus strand (T>C on the coding strand, the complement: PMS2 is on the minus strand). VCF-style: chr7-5997360-A-G. GRCh37 (hg19) VCF-style: chr7-6036991-A-G.
Other names: c.364T>C, p.Leu122= (NM_001322003.2, NM_001322004.2, NM_001322005.2 and 2 more transcripts); c.769T>C, p.Leu257= (NM_001322006.2, NM_001322014.2); c.451T>C, p.Leu151= (NM_001322007.2, NM_001322008.2); c.-165T>C (NM_001322011.2, NM_001322012.2); c.196T>C, p.Leu66= (NM_001322013.2); c.460T>C, p.Leu154= (NM_001322015.2).
Identifiers: ClinVar variation 1080628 (VCV001080628.12), dbSNP rs1304403166, ClinGen allele CA453646139.